The following is an entry in ClinVar:

NM_001378183.1(PIEZO2):c.3193G>T (p.Asp1065Tyr)

Gene: PIEZO2 (piezo type mechanosensitive ion channel component 2; minus strand). Cytogenetic location: 18p11.22.
Variant type: single nucleotide variant.
Coding change: c.3193G>T on transcript NM_001378183.1 (MANE Select); coding-DNA position 3193, G replaced by T.
Protein change: p.Asp1065Tyr; replaces aspartic acid 1065 with tyrosine.
Molecular consequence: missense variant.
Genome position (GRCh38, 1-based): chr18:10,762,556, C>A on the plus strand (G>T on the coding strand, the complement: PIEZO2 is on the minus strand). VCF-style: chr18-10762556-C-A. GRCh37 (hg19) VCF-style: chr18-10762554-C-A.
Other names: c.3193G>T, p.Asp1065Tyr (NM_001410871.1); c.3118G>T, p.Asp1040Tyr (NM_022068.4); short protein forms D1065Y, D1040Y.
Identifiers: ClinVar variation 2585600 (VCV002585600.1), dbSNP rs752023399, ClinGen allele CA296032323.

ClinVar aggregate classification (germline): Uncertain significance (1 of 4 stars; one submission).

Conditions:
Gordon syndrome (DA3). Also called: Gordon's syndrome; ARTHROGRYPOSIS MULTIPLEX CONGENITA, DISTAL, TYPE IIA; CAMPTODACTYLY, CLEFT PALATE, AND CLUBFOOT. Identifiers: Orphanet 376, MedGen C0220666, MONDO:0007252, OMIM 114300.

gnomAD v4.1: 3 of 1,537,136 alleles (0.0002%); highest among the groups gnomAD compares: Non-Finnish European, 0.00026%; no homozygotes.

Submission:

Neuberg Centre For Genomic Medicine, NCGM
Classification: Uncertain significance for Gordon syndrome. Review status: criteria provided, single submitter. Criteria: ACMG Guidelines, 2015. Collection method: clinical testing. Allele origin: germline. Inheritance: Autosomal dominant inheritance. Affected: yes.
Comment: The missense variant c.3193G>T (p.Asp1065Tyr) in PIEZO2 gene has not been reported previously as a pathogenic variant nor as a benign variant, to our knowledge. The p.Asp1065Tyr variant is novel (not in any individuals) in gnomAD Exomes and 1000 Genomes and allele frequency of 0.003187% is reported in gnomAD. The amino acid Asp at position 1065 is changed to a Tyr changing protein sequence and it might alter its composition and physico-chemical properties. The amino acid change p.Asp1065Tyr in PIEZO2 is predicted as conserved by GERP++ and PhyloP across 100 vertebrates. For these reasons, this variant has been classified as Uncertain Significance.